The following is an entry in ClinVar:

NM_001080467.3(MYO5B):c.*958T>C

Genes: SNHG22 (small nucleolar RNA host gene 22; plus strand), MYO5B (myosin VB; minus strand). Cytogenetic location: 18q21.1.
Variant type: single nucleotide variant.
Coding change: c.*958T>C on transcript NM_001080467.3 (MANE Select); 958 bases downstream of the stop codon, T replaced by C.
Molecular consequence: 3 prime UTR variant.
Genome position (GRCh38, 1-based): chr18:49,825,513, A>G on the plus strand (T>C on the coding strand, the complement: MYO5B is on the minus strand). VCF-style: chr18-49825513-A-G. GRCh37 (hg19) VCF-style: chr18-47351883-A-G.
Identifiers: ClinVar variation 326979 (VCV000326979.5), dbSNP rs143115573, ClinGen allele CA10651705.
Genomic context (GRCh38, chr18:49,825,513, plus strand): 5'-ACTGATTATTTTTGAAGGTTTTTCAGATGATCTGATGTGCGAACTTTAGTTTGTTTTACT[A>G]TTTGGTTTCTGGAACAGTAGAGCATTATGTGATGCTCTTACTGGAAGCTTAATGGTATTA-3'

ClinVar aggregate classification (germline): Benign (1 of 4 stars; one submission).

Conditions:
Congenital microvillous atrophy (DIAR2). Also called: DAVIDSON DISEASE; MICROVILLUS ATROPHY, CONGENITAL; Microvillus inclusion disease; Diarrhea 2 with microvillus atrophy, with or without cholestasis; CONGENITAL FAMILIAL PROTRACTED DIARRHEA WITH ENTEROCYTE BRUSH-BORDER ABNORMALITIES. Identifiers: Orphanet 2290, MedGen C0341306, MONDO:0009635, OMIM 251850.

Allele frequency attached by ClinVar (database versions not stated): gnomAD 0.00108 and 0.00148; TOPMed 0.00164; 1000 Genomes Project 30x 0.00734; 1000 Genomes Project 0.00839.

Submission:

Illumina Laboratory Services, Illumina
Classification: Benign for Congenital microvillous atrophy. Last evaluated: 2018-01-12. Review status: criteria provided, single submitter. Criteria: ICSL Variant Classification Criteria 13 December 2019. Collection method: clinical testing. Allele origin: germline.
Comment: This variant was observed in the ICSL laboratory as part of a predisposition screen in an ostensibly healthy population. It had not been previously curated by ICSL or reported in the Human Gene Mutation Database (HGMD: prior to June 1st, 2018), and was therefore a candidate for classification through an automated scoring system. Utilizing variant allele frequency, disease prevalence and penetrance estimates, and inheritance mode, an automated score was calculated to assess if this variant is too frequent to cause the disease. Based on the score and internal cut-off values, a variant classified as benign is not then subjected to further curation. The score for this variant resulted in a classification of benign for this disease.